The following is an entry in ClinVar:

ClinVar aggregate classification (germline): Likely benign. Review status: criteria provided, multiple submitters, no conflicts (2 of 4 stars). 3 submissions from 3 submitters: Likely benign (2). 1 of the submissions does not count toward it. Last evaluated 2025-01-18.

Conditions:
KIDINS220-related disorder. Also called: KIDINS220-related condition.
Inborn genetic diseases. Identifiers: MedGen C0950123, MeSH D030342.

Allele frequency attached by ClinVar (database versions not stated): gnomAD exomes 0.00003 and 0.00008; ExAC 0.00009; gnomAD 0.00013; TOPMed 0.00023; ESP Exome Variant Server 0.00034; 1000 Genomes Project 0.00060; 1000 Genomes Project 30x 0.00078.

Submissions (3):

Ambry Genetics
Classification: Likely benign for Inborn genetic diseases. Last evaluated: 2025-01-18. Review status: criteria provided, single submitter. Criteria: Ambry Variant Classification Scheme 2023. Collection method: clinical testing. Allele origin: germline.

Labcorp Genetics (formerly Invitae), Labcorp
Classification: Likely benign. Last evaluated: 2023-06-03. Review status: criteria provided, single submitter. Criteria: Invitae Variant Classification Sherloc (09022015). Collection method: clinical testing. Allele origin: germline.

PreventionGenetics, part of Exact Sciences
Classification: Likely benign for KIDINS220-related condition. Last evaluated: 2022-12-08. Review status: no assertion criteria provided. Collection method: clinical testing. Allele origin: germline. Not counted in ClinVar's aggregate classification.
Comment: This variant is classified as likely benign based on ACMG/AMP sequence variant interpretation guidelines (Richards et al. 2015 PMID: 25741868, with internal and published modifications).

NM_020738.4(KIDINS220):c.24C>T (p.Ser8=)

Gene: KIDINS220 (kinase D interacting substrate 220; minus strand). Cytogenetic location: 2p25.1.
Variant type: single nucleotide variant.
Coding change: c.24C>T on transcript NM_020738.4 (MANE Select); coding-DNA position 24, C replaced by T.
Protein change: p.Ser8=; no amino-acid change (serine 8 retained).
Molecular consequence: synonymous variant. On other transcripts: 5 prime UTR variant (1), non-coding transcript variant (2).
Genome position (GRCh38, 1-based): chr2:8,827,070, G>A on the plus strand (C>T on the coding strand, the complement: KIDINS220 is on the minus strand). VCF-style: chr2-8827070-G-A. GRCh37 (hg19) VCF-style: chr2-8967200-G-A.
Other names: c.24C>T, p.Ser8= (NM_001348729.2, NM_001348731.2, NM_001348732.2 and 9 more transcripts); c.-274C>T (NM_001348736.2); c.24C>T (NM_020738.2).
Identifiers: ClinVar variation 1569198 (VCV001569198.12), dbSNP rs201261765, ClinGen allele CA1520561.